The following is an entry in ClinVar:

ClinVar aggregate classification (germline): Uncertain significance (1 of 4 stars; one submission).

Conditions:
Fanconi anemia (FA). Also called: Fanconi's anemia. Identifiers: Orphanet 84, MedGen C0015625, MeSH D005199, MONDO:0019391.

Allele frequency attached by ClinVar (database versions not stated): gnomAD exomes below 0.00001.
gnomAD v4.1: 4 of 1,614,142 alleles (0.00025%); highest among the groups gnomAD compares: Non-Finnish European, 0.00025%; no homozygotes.

Submission:

Labcorp Genetics (formerly Invitae), Labcorp
Classification: Uncertain significance for Fanconi anemia. Last evaluated: 2021-08-27. Review status: criteria provided, single submitter. Criteria: Invitae Variant Classification Sherloc (09022015). Collection method: clinical testing. Allele origin: germline.
Comment: This sequence change replaces alanine with serine at codon 469 of the FANCA protein (p.Ala469Ser). The alanine residue is weakly conserved and there is a moderate physicochemical difference between alanine and serine. This variant is not present in population databases (ExAC no frequency). This variant has not been reported in the literature in individuals affected with FANCA-related conditions. Algorithms developed to predict the effect of missense changes on protein structure and function output the following: SIFT: "Tolerated"; PolyPhen-2: "Benign"; Align-GVGD: "Class C0". The serine amino acid residue is found in multiple mammalian species, which suggests that this missense change does not adversely affect protein function. In summary, the available evidence is currently insufficient to determine the role of this variant in disease. Therefore, it has been classified as a Variant of Uncertain Significance.

NM_000135.4(FANCA):c.1405G>T (p.Ala469Ser)

Gene: FANCA (FA complementation group A; minus strand). Cytogenetic location: 16q24.3.
Variant type: single nucleotide variant.
Coding change: c.1405G>T on transcript NM_000135.4 (MANE Select); coding-DNA position 1405, G replaced by T.
Protein change: p.Ala469Ser; replaces alanine 469 with serine.
Molecular consequence: missense variant.
Genome position (GRCh38, 1-based): chr16:89,784,919, C>A on the plus strand (G>T on the coding strand, the complement: FANCA is on the minus strand). VCF-style: chr16-89784919-C-A. GRCh37 (hg19) VCF-style: chr16-89851327-C-A.
Other names: c.1405G>T, p.Ala469Ser (NM_001286167.3); short protein forms A469S.
Identifiers: ClinVar variation 959590 (VCV000959590.7), dbSNP rs1236726652, ClinGen allele CA397459978.
Genomic context (GRCh38, chr16:89,784,919, plus strand): 5'-GGTACCGGGGAGACTCAAAAGGCACGAGTTCTGACAAGAACGTAAACAGGAAGACCAGGG[C>A]CTTCTTGCTGCAGCCATGGTAGCCTCGTGTGCTCCCAAAGGAGGCCTGTGTGGAGAGAAG-3'
Protein context (NP_000126.2, residues 459-479): TRGYHGCSKK[Ala469Ser]LVFLFTFLSE